The following is an entry in ClinVar:

NM_005269.3(GLI1):c.530G>A (p.Cys177Tyr)

Gene: GLI1 (GLI family zinc finger 1; plus strand). Cytogenetic location: 12q13.3.
Variant type: single nucleotide variant.
Coding change: c.530G>A on transcript NM_005269.3 (MANE Select); coding-DNA position 530, G replaced by A.
Protein change: p.Cys177Tyr; replaces cysteine 177 with tyrosine.
Molecular consequence: missense variant.
Genome position (GRCh38, 1-based): chr12:57,465,251, G>A. VCF-style: chr12-57465251-G-A. GRCh37 (hg19) VCF-style: chr12-57859034-G-A.
Other names: c.146G>A, p.Cys49Tyr (NM_001160045.2); c.407G>A, p.Cys136Tyr (NM_001167609.2); short protein forms C136Y, C177Y, C49Y.
Identifiers: ClinVar variation 161547 (VCV000161547.2), dbSNP rs193921005, ClinGen allele CA174313.

ClinVar aggregate classification (germline): Uncertain significance (0 of 4 stars; one submission).

Conditions:
Prostate cancer. Also called: Malignant tumor of prostate. Identifiers: Orphanet 1331, MedGen C0376358, MONDO:0008315, HP:0012125.

Submission:

Science for Life laboratory,  Karolinska Institutet
Classification: Uncertain significance for Malignant tumor of prostate. Review status: no assertion criteria provided. Collection method: not provided. Allele origin: somatic.
Comment: TumorID:SWE-5
ClinVar note: Converted during submission from Unknown to Uncertain significance.